The following is an entry in ClinVar:

ClinVar aggregate classification (germline): Uncertain significance (1 of 4 stars; one submission).

gnomAD v4.1: 21 of 1,599,888 alleles (0.0013%); highest among the groups gnomAD compares: Admixed American, 0.0017%; no homozygotes.

Submission:

Labcorp Genetics (formerly Invitae), Labcorp
Classification: Uncertain significance. Last evaluated: 2025-08-29. Review status: criteria provided, single submitter. Criteria: Invitae Variant Classification Sherloc (09022015). Collection method: clinical testing. Allele origin: germline.
Comment: This sequence change replaces proline, which is neutral and non-polar, with arginine, which is basic and polar, at codon 234 of the DNA2 protein (p.Pro234Arg). This variant is present in population databases (rs759250976, gnomAD 0.004%). This variant has not been reported in the literature in individuals affected with DNA2-related conditions. ClinVar contains an entry for this variant (Variation ID: 3617324). Experimental studies and prediction algorithms are not available or were not evaluated, and the functional significance of this variant is currently unknown. In summary, the available evidence is currently insufficient to determine the role of this variant in disease. Therefore, it has been classified as a Variant of Uncertain Significance.

NM_001080449.3(DNA2):c.701C>G (p.Pro234Arg)

Gene: DNA2 (DNA replication helicase/nuclease 2; minus strand). Cytogenetic location: 10q21.3.
Variant type: single nucleotide variant.
Coding change: c.701C>G on transcript NM_001080449.3 (MANE Select); coding-DNA position 701, C replaced by G.
Protein change: p.Pro234Arg; replaces proline 234 with arginine.
Molecular consequence: missense variant. On other transcripts: non-coding transcript variant (1).
Genome position (GRCh38, 1-based): chr10:68,459,122, G>C on the plus strand (C>G on the coding strand, the complement: DNA2 is on the minus strand). VCF-style: chr10-68459122-G-C. GRCh37 (hg19) VCF-style: chr10-70218879-G-C.
Other names: short protein forms P234R.
Identifiers: ClinVar variation 3617324 (VCV003617324.2).